The following is an entry in ClinVar:

ClinVar aggregate classification (germline): Pathogenic/Likely pathogenic. Review status: criteria provided, multiple submitters, no conflicts (2 of 4 stars). 5 submissions from 5 submitters: Pathogenic (1); Likely pathogenic (3). 1 of the submissions does not count toward it. Last evaluated 2025-09-08.

Conditions:
Hereditary nonpolyposis colorectal neoplasms. Identifiers: MedGen C0009405, MeSH D003123.
Hereditary cancer-predisposing syndrome. Also called: Tumor predisposition; Hereditary neoplastic syndrome; Hereditary Cancer Syndrome; Neoplastic Syndromes, Hereditary. Identifiers: Orphanet 140162, MedGen C0027672, MeSH D009386, MONDO:0015356.
Lynch syndrome 4 (LYNCH4). Also called: Hereditary non-polyposis colorectal cancer, type 4; Colorectal cancer, hereditary nonpolyposis, type 4. Identifiers: Orphanet 144, MedGen C1838333, MONDO:0013699, OMIM 614337. Disease mechanism: loss of function.

Submissions (5):

Quest Diagnostics Nichols Institute San Juan Capistrano
Classification: Likely pathogenic. Last evaluated: 2025-09-08. Review status: criteria provided, single submitter. Criteria: Quest Diagnostics criteria. Collection method: clinical testing. Allele origin: unknown.
Comment: The PMS2 c.1144+1del variant disrupts a canonical splice-donor site and is predicted to interfere with normal PMS2 mRNA splicing. This variant has not been reported in individuals with PMS2-related conditions in the published literature. This variant has not been reported in large, multi-ethnic general populations (Genome Aggregation Database). Based on the available information, this variant is classified as likely pathogenic.

Myriad Genetics, Inc.
Classification: Likely pathogenic for Lynch syndrome 4. Last evaluated: 2023-09-20. Review status: criteria provided, single submitter. Criteria: Myriad Autosomal Dominant, Autosomal Recessive and X-Linked Classification Criteria (2023). Collection method: clinical testing. Allele origin: unknown.
Comment: This variant is considered likely pathogenic. This variant occurs within a consensus splice junction and is predicted to result in abnormal mRNA splicing of either an out-of-frame exon or an in-frame exon necessary for protein stability and/or normal function.

Labcorp Genetics (formerly Invitae), Labcorp
Classification: Pathogenic for Hereditary nonpolyposis colorectal neoplasms. Last evaluated: 2022-07-11. Review status: criteria provided, single submitter. Criteria: Invitae Variant Classification Sherloc (09022015). Collection method: clinical testing. Allele origin: germline.
Comment: For these reasons, this variant has been classified as Pathogenic. Algorithms developed to predict the effect of sequence changes on RNA splicing suggest that this variant may disrupt the consensus splice site. ClinVar contains an entry for this variant (Variation ID: 1049894). This variant has not been reported in the literature in individuals affected with PMS2-related conditions. This variant is not present in population databases (gnomAD no frequency). This sequence change creates a premature translational stop signal (p.Gly382Valfs*3) in the PMS2 gene. It is expected to result in an absent or disrupted protein product. Loss-of-function variants in PMS2 are known to be pathogenic (PMID: 21376568, 24362816).

Ambry Genetics
Classification: Likely pathogenic for Hereditary cancer-predisposing syndrome. Last evaluated: 2020-02-27. Review status: criteria provided, single submitter. Criteria: Ambry Variant Classification Scheme 2023. Collection method: clinical testing. Allele origin: germline.
Comment: The c.1144+1delG intronic variant is located one nucleotide after coding exon 10 and results from the deletion of one nucleotide (G) within intron 10 of the PMS2 gene. This nucleotide position is highly conserved in available vertebrate species. Using the BDGP and ESEfinder splice site prediction tools, this alteration is predicted to shift the native splice donor site upstream by one nucleotide resulting in an out-frame deletion of one nucleotide at the end of coding exon 10; however, direct evidence is unavailable. Alterations that disrupt the canonical splice site are expected to cause aberrant splicing, resulting in an abnormal protein or a transcript that is subject to nonsense-mediated mRNA decay. As such, this alteration is classified as likely pathogenic.

Department of Pathology and Laboratory Medicine, Sinai Health System
Classification: Pathogenic. Review status: no assertion criteria provided. Collection method: clinical testing. Allele origin: unknown. Affected: yes. Observed: 1 variant allele. Study: The Canadian Open Genetics Repository (COGR). Not counted in ClinVar's aggregate classification.
Comment: The PMS2 c.1144+1delG was not identified in the literature nor was it identified in the following databases: dbSNP, ClinVar, COGR, Cosmic, MutDB, Insight Colon Cancer Gene Variant Database, Zhejiang Colon Cancer Database, Mismatch Repair Genes Variant Database, MMR Gene Unclassified Variants Database, or Insight Hereditary Tumors Database. Furthermore, the variant was not identified in the 1000 Genomes Project, the NHLBI GO Exome Sequencing Project or the Exome Aggregation Consortium (August 8th 2016) control databases. The c.1144+1delG variant is predicted to cause abnormal splicing because the nucleotide substitution occurs in the invariant region of the splice consensus sequence. In addition, 5 of 5 in silico or computational prediction software programs (SpliceSiteFinder, MaxEntScan, NNSPLICE, GeneSplicer, HumanSpliceFinder) predict a greater than 10% difference in splicing. In summary, based on the above information, this variant meets our laboratoryâ€šÃ„Ã´s criteria to be classified as pathogenic.

Literature cited by the submitters: PubMed 21376568 (cited by Labcorp Genetics (formerly Invitae), Labcorp); PubMed 24362816 (cited by Labcorp Genetics (formerly Invitae), Labcorp).

NM_000535.7(PMS2):c.1144+1del

Gene: PMS2 (PMS1 homolog 2, mismatch repair system component; minus strand). Cytogenetic location: 7p22.1.
Variant type: Deletion.
Coding change: c.1144+1del on transcript NM_000535.7 (MANE Select); the canonical splice donor site of the intron after coding-DNA position 1144, one base deleted (G; older notation c.1144+1delG).
Molecular consequence: splice donor variant. On other transcripts: intron variant (10).
Genome position (GRCh38, 1-based): chr7:5,989,799, C deleted on the plus strand (G on the coding strand, the reverse complement: PMS2 is on the minus strand); the first of 2 consecutive C bases (chr7:5,989,799-5,989,800); deleting either gives the same sequence. VCF-style (leftmost placement, unchanged base first): chr7-5989798-AC-A. GRCh37 (hg19) VCF-style: chr7-6029429-AC-A.
Other names: c.835+1del (NM_001406875.1, NM_001406877.1, NM_001406882.1 and 5 more transcripts); c.739+1del (NM_001406898.1, NM_001406897.1, NM_001322009.2 and 16 more transcripts); c.1330+1del (NM_001406866.1); c.826+1del (NM_001322008.2, NM_001406883.1, NM_001406903.1 and 2 more transcripts); c.373+1del (NM_001406911.1); c.583+2174del (NM_001322010.2, NM_001406906.1, NM_001406907.1); c.670+2174del (NM_001406902.1, NM_001406901.1); c.631+1del (NM_001406904.1, NM_001406905.1); and 13 more.
Identifiers: ClinVar variation 1049894 (VCV001049894.11), dbSNP rs2128746842, ClinGen allele CA2499218968.